The following is an entry in ClinVar:

NM_000321.3(RB1):c.2212-22T>C

Gene: RB1 (RB transcriptional corepressor 1; plus strand). Cytogenetic location: 13q14.2.
Variant type: single nucleotide variant.
Coding change: c.2212-22T>C on transcript NM_000321.3 (MANE Select); 22 bases into the intron before coding-DNA position 2212, T replaced by C.
Molecular consequence: intron variant.
Genome position (GRCh38, 1-based): chr13:48,464,976, T>C. VCF-style: chr13-48464976-T-C. GRCh37 (hg19) VCF-style: chr13-49039112-T-C.
Other names: c.2212-22T>C (NM_001407165.1).
Identifiers: ClinVar variation 4759375 (VCV004759375.1).
Genomic context (GRCh38, chr13:48,464,976, plus strand): 5'-TAAAGGTAGAAATTTTAAAATTCATTTAACAAGTAAATTTTACTTTTTTTTTTTTTTTTT[T>C]TTTTTTACTGTTCTTCCTCAGACATTCAAACGTGTTTTGATCAAAGAAGAGGAGTATGAT-3'

ClinVar aggregate classification (germline): Likely benign (1 of 4 stars; one submission).

Conditions:
Hereditary retinoblastoma. Identifiers: Orphanet 357027, MedGen C0751483, MONDO:0018160.

Submission:

Ramesar Group, Division of Human Genetics, Institute of Infectious Diseases and Molecular Medicine, UCT/MRC Genomic and Precision Medicine Research Unit, University of Cape Town
Classification: Likely benign for Hereditary retinoblastoma. Last evaluated: 2025-09-17. Review status: criteria provided, single submitter. Criteria: ACMG Guidelines, 2015. Collection method: research. Allele origin: germline. Affected: no.
Comment: BP5 - Variant found in a patient with a different retinal disease; RB1 is not associated with the phenotype BP7 - A non-coding variant with no predicted effect on splicing (SpliceAI scores are negligible)